The following is an entry in ClinVar:

NM_000069.3(CACNA1S):c.1188G>C (p.Glu396Asp)

Gene: CACNA1S (calcium voltage-gated channel subunit alpha1 S; minus strand). Cytogenetic location: 1q32.1.
Variant type: single nucleotide variant.
Coding change: c.1188G>C on transcript NM_000069.3 (MANE Select); coding-DNA position 1188, G replaced by C.
Protein change: p.Glu396Asp; replaces glutamic acid 396 with aspartic acid.
Molecular consequence: missense variant.
Genome position (GRCh38, 1-based): chr1:201,084,994, C>G on the plus strand (G>C on the coding strand, the complement: CACNA1S is on the minus strand). VCF-style: chr1-201084994-C-G. GRCh37 (hg19) VCF-style: chr1-201054122-C-G.
Other names: short protein forms E396D.
Identifiers: ClinVar variation 3262806 (VCV003262806.4).

ClinVar aggregate classification (germline): Uncertain significance. Review status: criteria provided, multiple submitters, no conflicts (2 of 4 stars). 3 submissions from 3 submitters: Uncertain significance (3). Last evaluated 2025-07-31.

Conditions:
Malignant hyperthermia, susceptibility to, 5 (MHS5). Also called: CACNA1S-Related Malignant Hyperthermia Susceptibility. Identifiers: Orphanet 423, MedGen C1866077, MONDO:0011163, OMIM 601887.
Hypokalemic periodic paralysis, type 1. Also called: HypoPP; Hypokalemic Periodic Paralysis Type 1 (AD). Identifiers: Orphanet 681, MedGen C3714580, MONDO:0042979, OMIM 170400.
Inborn genetic diseases. Identifiers: MedGen C0950123, MeSH D030342.
Congenital myopathy 18. Also called: Myopathy, congenital, due to dihydropyridine receptor defect; DIHYDROPYRIDINE RECEPTOR CONGENITAL MYOPATHY; DHPR CONGENITAL MYOPATHY. Identifiers: MedGen C5830283, MONDO:0859514, OMIM 620246.
Thyrotoxic periodic paralysis, susceptibility to, 1 (TTPP1). Identifiers: Orphanet 79102, MedGen C2749982, MONDO:0008570, OMIM 188580.

gnomAD v4.1: 15 of 1,612,628 alleles (0.00093%); highest among the groups gnomAD compares: African/African-American, 0.0027%; no homozygotes.

Submissions (3):

Labcorp Genetics (formerly Invitae), Labcorp
Classification: Uncertain significance for Hypokalemic periodic paralysis, type 1; Malignant hyperthermia, susceptibility to, 5. Last evaluated: 2025-07-31. Review status: criteria provided, single submitter. Criteria: Invitae Variant Classification Sherloc (09022015). Collection method: clinical testing. Allele origin: germline.
Comment: This sequence change replaces glutamic acid, which is acidic and polar, with aspartic acid, which is acidic and polar, at codon 396 of the CACNA1S protein (p.Glu396Asp). This variant is not present in population databases (gnomAD no frequency). This variant has not been reported in the literature in individuals affected with CACNA1S-related conditions. ClinVar contains an entry for this variant (Variation ID: 3262806). Invitae Evidence Modeling of protein sequence and biophysical properties (such as structural, functional, and spatial information, amino acid conservation, physicochemical variation, residue mobility, and thermodynamic stability) indicates that this missense variant is not expected to disrupt CACNA1S protein function with a negative predictive value of 95%. In summary, the available evidence is currently insufficient to determine the role of this variant in disease. Therefore, it has been classified as a Variant of Uncertain Significance.

Fulgent Genetics
Classification: Uncertain significance for Hypokalemic periodic paralysis, type 1; Thyrotoxic periodic paralysis, susceptibility to, 1; Malignant hyperthermia, susceptibility to, 5; Congenital myopathy 18. Last evaluated: 2024-06-12. Review status: criteria provided, single submitter. Criteria: ACMG Guidelines, 2015. Collection method: clinical testing. Allele origin: germline.

Ambry Genetics
Classification: Uncertain significance for Inborn genetic diseases. Last evaluated: 2024-05-24. Review status: criteria provided, single submitter. Criteria: Ambry Variant Classification Scheme 2023. Collection method: clinical testing. Allele origin: germline.